The following is an entry in ClinVar:

ClinVar aggregate classification (germline): Benign/Likely benign. Review status: criteria provided, multiple submitters, no conflicts (2 of 4 stars). 5 submissions from 5 submitters: Benign (1); Likely benign (4). Last evaluated 2025-07-06.

Conditions:
Hereditary cancer-predisposing syndrome. Also called: Hereditary Cancer Syndrome; Hereditary neoplastic syndrome; Neoplastic Syndromes, Hereditary; Tumor predisposition. Identifiers: Orphanet 140162, MedGen C0027672, MeSH D009386, MONDO:0015356.
Familial cancer of breast. Also called: Hereditary breast cancer; hereditary breast carcinoma; BREAST CANCER, FAMILIAL. Identifiers: Orphanet 227535, MedGen C0346153, MONDO:0016419, OMIM 114480. Disease mechanism: loss of function.

Allele frequency attached by ClinVar (database versions not stated): gnomAD exomes below 0.00001.
gnomAD v4.1: 2 of 1,614,194 alleles (0.00012%); highest among the groups gnomAD compares: Non-Finnish European, 0.00017%; no homozygotes.

Submissions (5):

Labcorp Genetics (formerly Invitae), Labcorp
Classification: Likely benign for Familial cancer of breast. Last evaluated: 2025-07-06. Review status: criteria provided, single submitter. Criteria: Invitae Variant Classification Sherloc (09022015). Collection method: clinical testing. Allele origin: germline.

Myriad Genetics, Inc.
Classification: Benign for Familial cancer of breast. Last evaluated: 2024-07-29. Review status: criteria provided, single submitter. Criteria: Myriad Autosomal Dominant, Autosomal Recessive and X-Linked Classification Criteria (2023). Collection method: clinical testing. Allele origin: unknown.
Comment: This variant is considered benign. This variant is a silent/synonymous amino acid change and it is not expected to impact splicing.

Color Diagnostics, LLC DBA Color Health
Classification: Likely benign for Hereditary cancer-predisposing syndrome. Last evaluated: 2024-01-22. Review status: criteria provided, single submitter. Criteria: ACMG Guidelines, 2015. Collection method: clinical testing. Allele origin: germline.

Ambry Genetics
Classification: Likely benign for Hereditary cancer-predisposing syndrome. Last evaluated: 2016-11-22. Review status: criteria provided, single submitter. Criteria: Ambry Variant Classification Scheme 2023. Collection method: clinical testing. Allele origin: germline.

GeneDx
Classification: Likely benign. Last evaluated: 2016-08-15. Review status: criteria provided, single submitter. Criteria: GeneDx Variant Classification (06012015). Collection method: clinical testing. Allele origin: germline. Affected: yes.
Comment: This variant is considered likely benign or benign based on one or more of the following criteria: it is a conservative change, it occurs at a poorly conserved position in the protein, it is predicted to be benign by multiple in silico algorithms, and/or has population frequency not consistent with disease.

NM_000465.4(BARD1):c.2034T>C (p.Tyr678=)

Gene: BARD1 (BRCA1 associated RING domain 1; minus strand). Cytogenetic location: 2q35.
Variant type: single nucleotide variant.
Coding change: c.2034T>C on transcript NM_000465.4 (MANE Select); coding-DNA position 2034, T replaced by C.
Protein change: p.Tyr678=; no amino-acid change (tyrosine 678 retained).
Molecular consequence: synonymous variant. On other transcripts: non-coding transcript variant (3).
Genome position (GRCh38, 1-based): chr2:214,728,976, A>G on the plus strand (T>C on the coding strand, the complement: BARD1 is on the minus strand). VCF-style: chr2-214728976-A-G. GRCh37 (hg19) VCF-style: chr2-215593700-A-G.
Other names: c.1977T>C, p.Tyr659= (NM_001282543.2); c.681T>C, p.Tyr227= (NM_001282545.2); c.624T>C, p.Tyr208= (NM_001282548.2); c.495T>C, p.Tyr165= (NM_001282549.2).
Identifiers: ClinVar variation 388667 (VCV000388667.10), dbSNP rs1057523192, ClinGen allele CA16604044.